The following is an entry in ClinVar:

ClinVar aggregate classification (germline): Uncertain significance (1 of 4 stars; one submission).

Submission:

GeneDx
Classification: Uncertain significance. Last evaluated: 2025-02-26. Review status: criteria provided, single submitter. Criteria: GeneDx Variant Classification Process June 2021. Collection method: clinical testing. Allele origin: germline. Affected: yes.
Comment: Not observed at significant frequency in large population cohorts (gnomAD); In silico analysis supports that this missense variant has a deleterious effect on protein structure/function; Has not been previously published as pathogenic or benign to our knowledge

NM_001365276.2(TNXB):c.1186G>C (p.Gly396Arg)

Gene: TNXB (tenascin XB; minus strand). Cytogenetic location: 6p21.33.
Variant type: single nucleotide variant.
Coding change: c.1186G>C on transcript NM_001365276.2 (MANE Select); coding-DNA position 1186, G replaced by C.
Protein change: p.Gly396Arg; replaces glycine 396 with arginine.
Molecular consequence: missense variant.
Genome position (GRCh38, 1-based): chr6:32,096,667, C>G on the plus strand (G>C on the coding strand, the complement: TNXB is on the minus strand). VCF-style: chr6-32096667-C-G. GRCh37 (hg19) VCF-style: chr6-32064444-C-G.
Other names: c.1186G>C, p.Gly396Arg (NM_001428335.1, NM_019105.8); short protein forms G396R.
Identifiers: ClinVar variation 3377849 (VCV003377849.2).